The following is an entry in ClinVar:

NM_000089.4(COL1A2):c.106G>A (p.Gly36Arg)

Gene: COL1A2 (collagen type I alpha 2 chain; plus strand). Cytogenetic location: 7q21.3.
Variant type: single nucleotide variant.
Coding change: c.106G>A on transcript NM_000089.4 (MANE Select); coding-DNA position 106, G replaced by A.
Protein change: p.Gly36Arg; replaces glycine 36 with arginine.
Molecular consequence: missense variant.
Genome position (GRCh38, 1-based): chr7:94,399,058, G>A. VCF-style: chr7-94399058-G-A. GRCh37 (hg19) VCF-style: chr7-94028370-G-A.
Other names: p.Gly36Arg; c.106G>A (NM_000089.3); short protein forms G36R.
Identifiers: ClinVar variation 1000701 (VCV001000701.17), dbSNP rs368447157, ClinGen allele CA4346488.

ClinVar aggregate classification (germline): Uncertain significance. Review status: criteria provided, multiple submitters, no conflicts (2 of 4 stars). 6 submissions from 6 submitters: Uncertain significance (6). Last evaluated 2026-01-14.

Conditions:
Osteogenesis imperfecta type I (OI1). Also called: Lobstein's Disease; Lobstein disease; OI, TYPE I; OSTEOGENESIS IMPERFECTA TARDA; OSTEOGENESIS IMPERFECTA WITH BLUE SCLERAE; Osteogenesis imperfecta type 1. Identifiers: Orphanet 216796, Orphanet 666, MedGen C0023931, MONDO:0008146, OMIM 166200. Disease mechanism: loss of function.
Ehlers-Danlos syndrome, classic type, 1 (EDSCL1). Also called: EDS I; EHLERS-DANLOS SYNDROME, GRAVIS TYPE; EHLERS-DANLOS SYNDROME, SEVERE CLASSIC TYPE; Ehlers-Danlos syndrome, type 1; Ehlers-Danlos Syndrome, Classic Type, COL5A1-Related. Identifiers: MedGen C0268335, MONDO:0019567, OMIM 130000.
Cardiovascular phenotype. Identifiers: MedGen CN230736.

Allele frequency attached by ClinVar (database versions not stated): ExAC 0.00002; gnomAD 0.00003 and 0.00004; gnomAD exomes 0.00003 and 0.00002; TOPMed 0.00004; 1000 Genomes Project 30x 0.00016; ESP Exome Variant Server 0.00008; 1000 Genomes Project 0.00020.
gnomAD v4.1: 27 of 1,613,632 alleles (0.0017%); highest among the groups gnomAD compares: Admixed American, 0.005%; no homozygotes.

Submissions (6):

Labcorp Genetics (formerly Invitae), Labcorp
Classification: Uncertain significance for Osteogenesis imperfecta type I; Ehlers-Danlos syndrome, classic type, 1. Last evaluated: 2026-01-14. Review status: criteria provided, single submitter. Criteria: Invitae Variant Classification Sherloc (09022015). Collection method: clinical testing. Allele origin: germline.
Comment: This sequence change replaces glycine, which is neutral and non-polar, with arginine, which is basic and polar, at codon 36 of the COL1A2 protein (p.Gly36Arg). This variant is present in population databases (rs368447157, gnomAD 0.008%). This variant has not been reported in the literature in individuals affected with COL1A2-related conditions. ClinVar contains an entry for this variant (Variation ID: 1000701). Invitae Evidence Modeling of protein sequence and biophysical properties (such as structural, functional, and spatial information, amino acid conservation, physicochemical variation, residue mobility, and thermodynamic stability) indicates that this missense variant is expected to disrupt COL1A2 protein function with a positive predictive value of 95%. In summary, the available evidence is currently insufficient to determine the role of this variant in disease. Therefore, it has been classified as a Variant of Uncertain Significance.

Mayo Clinic Laboratories, Mayo Clinic
Classification: Uncertain significance. Last evaluated: 2025-05-09. Review status: criteria provided, single submitter. Criteria: ACMG Guidelines, 2015. Collection method: clinical testing. Allele origin: germline. Observed: 1 variant allele.
Comment: PP3_strong, PM1_supporting

Ambry Genetics
Classification: Uncertain significance for Cardiovascular phenotype. Last evaluated: 2025-03-13. Review status: criteria provided, single submitter. Criteria: Ambry Variant Classification Scheme 2023. Collection method: clinical testing. Allele origin: germline.
Comment: The p.G36R variant (also known as c.106G>A), located in coding exon 4 of the COL1A2 gene, results from a G to A substitution at nucleotide position 106. The glycine at codon 36 is replaced by arginine, an amino acid with dissimilar properties. This amino acid position is highly conserved in available vertebrate species. In addition, this alteration is predicted to be deleterious by in silico analysis. Based on the available evidence, the clinical significance of this variant remains unclear.

GeneDx
Classification: Uncertain significance. Last evaluated: 2024-01-22. Review status: criteria provided, single submitter. Criteria: GeneDx Variant Classification Process June 2021. Collection method: clinical testing. Allele origin: germline. Affected: yes.
Comment: In silico analysis supports that this missense variant has a deleterious effect on protein structure/function; This variant is associated with the following publications: (PMID: 36769638)

Blueprint Genetics
Classification: Uncertain significance. Last evaluated: 2024-01-10. Review status: criteria provided, single submitter. Criteria: ACMG Guidelines, 2015. Collection method: clinical testing. Allele origin: germline.

Revvity Omics, Revvity
Classification: Uncertain significance. Last evaluated: 2020-10-21. Review status: criteria provided, single submitter. Criteria: ACMG Guidelines, 2015. Collection method: clinical testing. Allele origin: germline.

Literature cited by the submitters: PubMed 36769638 (cited by Mayo Clinic Laboratories, Mayo Clinic).